The following is an entry in ClinVar:

ClinVar aggregate classification (germline): Likely pathogenic (1 of 4 stars; one submission).

Submission:

Labcorp Genetics (formerly Invitae), Labcorp
Classification: Likely pathogenic. Last evaluated: 2023-12-02. Review status: criteria provided, single submitter. Criteria: Invitae Variant Classification Sherloc (09022015). Collection method: clinical testing. Allele origin: germline.
Comment: This sequence change affects an acceptor splice site in intron 19 of the UBR1 gene. It is expected to disrupt RNA splicing. Variants that disrupt the donor or acceptor splice site typically lead to a loss of protein function (PMID: 16199547), and loss-of-function variants in UBR1 are known to be pathogenic (PMID: 24599544). This variant is not present in population databases (gnomAD no frequency). This variant has not been reported in the literature in individuals affected with UBR1-related conditions. Algorithms developed to predict the effect of sequence changes on RNA splicing suggest that this variant may disrupt the consensus splice site. In summary, the currently available evidence indicates that the variant is pathogenic, but additional data are needed to prove that conclusively. Therefore, this variant has been classified as Likely Pathogenic.

Literature cited by the submitters: PubMed 16199547; PubMed 24599544.

NM_174916.3(UBR1):c.2191-1G>T

Gene: UBR1 (ubiquitin protein ligase E3 component n-recognin 1; minus strand). Cytogenetic location: 15q15.2.
Variant type: single nucleotide variant.
Coding change: c.2191-1G>T on transcript NM_174916.3 (MANE Select); the canonical splice acceptor site of the intron before coding-DNA position 2191, G replaced by T.
Molecular consequence: splice acceptor variant.
Genome position (GRCh38, 1-based): chr15:43,032,632, C>A on the plus strand (G>T on the coding strand, the complement: UBR1 is on the minus strand). VCF-style: chr15-43032632-C-A. GRCh37 (hg19) VCF-style: chr15-43324830-C-A.
Identifiers: ClinVar variation 2699035 (VCV002699035.3), dbSNP rs1326826096, ClinGen allele CA392057751.